The following is an entry in ClinVar:

NM_001267550.2(TTN):c.4535C>T (p.Thr1512Ile)

Genes: TTN (titin; minus strand), LOC101927055 (uncharacterized LOC101927055; plus strand). Cytogenetic location: 2q31.2.
Variant type: single nucleotide variant.
Coding change: c.4535C>T on transcript NM_001267550.2 (MANE Select); coding-DNA position 4535, C replaced by T.
Protein change: p.Thr1512Ile; replaces threonine 1512 with isoleucine.
Molecular consequence: missense variant. On other transcripts: non-coding transcript variant (1).
Genome position (GRCh38, 1-based): chr2:178,777,530, G>A on the plus strand (C>T on the coding strand, the complement: TTN is on the minus strand). VCF-style: chr2-178777530-G-A. GRCh37 (hg19) VCF-style: chr2-179642257-G-A.
Other names: c.4535C>T, p.Thr1512Ile (NM_001256850.1, NM_133378.4, NM_133379.5); c.4397C>T, p.Thr1466Ile (NM_003319.4, NM_133432.3, NM_133437.4); short protein forms T1512I, T1466I.
Identifiers: ClinVar variation 1740262 (VCV001740262.2), dbSNP rs375794484, ClinGen allele CA2005308.
Genomic context (GRCh38, chr2:178,777,530, plus strand): 5'-GCAACCACAGTCCATTCCCCAGAATCACTGGGTGTGGCAGGGACAATAATTAGTGATTGA[G>A]TACCATCTTCTTTAATGACTACTTTATGGGTATAGTCATTGACAATTTGCTGGCCTGTGA-3'
Protein context (NP_001254479.2, residues 1502-1522): THKVVIKEDG[Thr1512Ile]QSLIIVPATP

ClinVar aggregate classification (germline): Uncertain significance (1 of 4 stars; one submission).

Conditions:
Cardiovascular phenotype. Identifiers: MedGen CN230736.

Allele frequency attached by ClinVar (database versions not stated): gnomAD exomes below 0.00001; ExAC 0.00002; TOPMed 0.00002; gnomAD 0.00003; ESP Exome Variant Server 0.00008; 1000 Genomes Project 0.00040; 1000 Genomes Project 30x 0.00062.
gnomAD v4.1: 6 of 1,613,894 alleles (0.00037%); highest among the groups gnomAD compares: African/African-American, 0.008%; no homozygotes.

Submission:

Ambry Genetics
Classification: Uncertain significance for Cardiovascular phenotype. Last evaluated: 2020-09-08. Review status: criteria provided, single submitter. Criteria: Ambry Variant Classification Scheme 2023. Collection method: clinical testing. Allele origin: germline.
Comment: The p.T1466I variant (also known as c.4397C>T), located in coding exon 24 of the TTN gene, results from a C to T substitution at nucleotide position 4397. The threonine at codon 1466 is replaced by isoleucine, an amino acid with similar properties. This amino acid position is highly conserved in available vertebrate species. In addition, the in silico prediction for this alteration is inconclusive. Since supporting evidence is limited at this time, the clinical significance of this alteration remains unclear.